The following is an entry in ClinVar:

ClinVar aggregate classification (germline): Uncertain significance. Review status: criteria provided, multiple submitters, no conflicts (2 of 4 stars). 4 submissions from 4 submitters: Uncertain significance (4). Last evaluated 2022-10-27.

Conditions:
ODAD1-related disorder. Also called: ODAD1-related condition.
Primary ciliary dyskinesia 20. Also called: CILIARY DYSKINESIA, PRIMARY, 20, WITH OR WITHOUT SITUS INVERSUS. Identifiers: Orphanet 244, MedGen C3540844, MONDO:0014030, OMIM 615067.
Primary ciliary dyskinesia. Also called: Ciliary dyskinesia. Identifiers: Orphanet 244, MedGen C0008780, MONDO:0016575, HP:0012265.

Allele frequency attached by ClinVar (database versions not stated): gnomAD exomes below 0.00001 and 0.00001; gnomAD 0.00001; ExAC 0.00002.

Submissions (4):

PreventionGenetics, part of Exact Sciences
Classification: Uncertain significance for ODAD1-related condition. Last evaluated: 2022-10-27. Review status: criteria provided, single submitter. Criteria: ACMG Guidelines, 2015. Collection method: clinical testing. Allele origin: germline.
Comment: The ODAD1 c.1893dupC variant is predicted to result in a frameshift and premature protein termination (p.Gly632Argfs*6). To our knowledge, this variant has not been reported in the literature. This variant is reported in 0.0029% of alleles in individuals of Latino descent in gnomAD. Of note, this variant occurs in the last exon of the ODAD1 gene and it is unknown if this variant alters protein function. Although we suspect that this variant may be pathogenic, at this time, the clinical significance of this variant is uncertain due to the absence of conclusive functional and genetic evidence.

Blueprint Genetics
Classification: Uncertain significance. Last evaluated: 2022-02-16. Review status: criteria provided, single submitter. Criteria: ACMG Guidelines, 2015. Collection method: clinical testing. Allele origin: germline.

Fulgent Genetics
Classification: Uncertain significance for Primary ciliary dyskinesia 20. Last evaluated: 2021-10-26. Review status: criteria provided, single submitter. Criteria: ACMG Guidelines, 2015. Collection method: clinical testing. Allele origin: unknown.

Labcorp Genetics (formerly Invitae), Labcorp
Classification: Uncertain significance for Primary ciliary dyskinesia. Last evaluated: 2021-10-22. Review status: criteria provided, single submitter. Criteria: Invitae Variant Classification Sherloc (09022015). Collection method: clinical testing. Allele origin: germline.
Comment: In summary, the available evidence is currently insufficient to determine the role of this variant in disease. Therefore, it has been classified as a Variant of Uncertain Significance. Experimental studies and prediction algorithms are not available or were not evaluated, and the functional significance of this variant is currently unknown. This variant has not been reported in the literature in individuals affected with CCDC114-related conditions. This variant is present in population databases (rs745526849, gnomAD 0.003%). This sequence change creates a premature translational stop signal (p.Gly632Argfs*6) in the CCDC114 gene. While this is not anticipated to result in nonsense mediated decay, it is expected to disrupt the last 39 amino acid(s) of the CCDC114 protein.

NM_001364171.2(ODAD1):c.2004dup (p.Gly669fs)

Gene: ODAD1 (outer dynein arm docking complex subunit 1; minus strand). Cytogenetic location: 19q13.33.
Variant type: Duplication.
Coding change: c.2004dup on transcript NM_001364171.2 (MANE Select); coding-DNA position 2004, one base duplicated (C; older notation c.2004dupC).
Protein change: p.Gly669fs; shifts the reading frame from glycine 669.
Molecular consequence: frameshift variant.
Genome position (GRCh38, 1-based): chr19:48,297,096, G duplicated on the plus strand (C on the coding strand, the reverse complement: ODAD1 is on the minus strand). VCF-style (leftmost placement, unchanged base first): chr19-48297095-C-CG. GRCh37 (hg19) VCF-style: chr19-48800352-C-CG.
Other names: c.1893dupC (NM_144577.3); c.1893dup, p.Gly632fs (NM_144577.4); short protein forms G632fs, G669fs.
Identifiers: ClinVar variation 1682854 (VCV001682854.9), dbSNP rs745526849, ClinGen allele CA9548510.